The following is an entry in ClinVar:

ClinVar aggregate classification (germline): Conflicting classifications of pathogenicity. Review status: criteria provided, conflicting classifications (1 of 4 stars). 4 submissions from 4 submitters: Likely pathogenic (1); Uncertain significance (2). 1 of the submissions does not count toward it. Last evaluated 2024-12-18.

Conditions:
Neuronal ceroid lipofuscinosis 8 (CLN8). Also called: CLN8-Related Neuronal Ceroid-Lipofuscinosis. Identifiers: Orphanet 168491, Orphanet 228354, Orphanet 79264, MedGen C1838570, MONDO:0010830, OMIM 600143.

Allele frequency attached by ClinVar (database versions not stated): TOPMed below 0.00001; gnomAD 0.00001; ExAC 0.00003; 1000 Genomes Project 0.00020; 1000 Genomes Project 30x 0.00031.
gnomAD v4.1: 8 of 1,614,062 alleles (0.0005%); highest among the groups gnomAD compares: South Asian, 0.0033%; no homozygotes.

Submissions (4):

Genomic Medicine Center of Excellence, King Faisal Specialist Hospital and Research Centre
Classification: Likely pathogenic for Neuronal ceroid lipofuscinosis 8. Last evaluated: 2024-12-18. Review status: criteria provided, single submitter. Criteria: ACMG Guidelines, 2015. Collection method: clinical testing. Allele origin: germline.

Women's Health and Genetics/Laboratory Corporation of America, LabCorp
Classification: Uncertain significance. Last evaluated: 2023-09-11. Review status: criteria provided, single submitter. Criteria: LabCorp Variant Classification Summary - May 2015. Collection method: clinical testing. Allele origin: germline.
Comment: Variant summary: CLN8 c.509C>T (p.Thr170Met) results in a non-conservative amino acid change located in the TRAM/LAG1/CLN8 homology domain (IPR006634) of the encoded protein sequence. Five of five in-silico tools predict a damaging effect of the variant on protein function. The variant allele was found at a frequency of 1.2e-05 in 251224 control chromosomes (gnomAD). The available data on variant occurrences in the general population are insufficient to allow any conclusion about variant significance. c.509C>T has been reported in the literature in the homozygous state in two siblings affected with late-infantile Neuronal Ceroid-Lipofuscinosis (Batten Disease) from a consanguineous Turkish family, however it was reported as part of a complex allele together with c.46C>A, p.Leu16Met (e.g., Ranta_2004). This report therefore does not provide unequivocal conclusions about association of the variant with Neuronal Ceroid-Lipofuscinosis (Batten Disease). To our knowledge, no experimental evidence demonstrating an impact on protein function has been reported. The following publication was ascertained in the context of this evaluation (PMID: 15024724). One submitter has reported clinical-significance assessments for this variant to ClinVar after 2014 and has classified the variant as uncertain significance. Based on the evidence outlined above, the variant was classified as uncertain significance.

GeneDx
Classification: Uncertain significance. Last evaluated: 2021-03-18. Review status: criteria provided, single submitter. Criteria: GeneDx Variant Classification Process June 2021. Collection method: clinical testing. Allele origin: germline. Affected: yes.
Comment: Not observed at a significant frequency in large population cohorts (Lek et al., 2016); In silico analysis supports that this missense variant has a deleterious effect on protein structure/function; This variant is associated with the following publications: (PMID: 15024724, 25806950, 16570191, 19807737)

Juha Muilu Group; Institute for Molecular Medicine Finland (FIMM)
Classification: Likely pathogenic for Ceroid lipofuscinosis neuronal 8. Review status: no assertion criteria provided. Collection method: not provided. Allele origin: unknown. Not counted in ClinVar's aggregate classification.
Comment: FinDis database variant: This variant was not found or characterized by our laboratory, data were collected from public sources: see reference
ClinVar note: Converted during submission from probable-pathogenic to Likely pathogenic.

Literature cited by the submitters: PubMed 15024724 (cited by Women's Health and Genetics/Laboratory Corporation of America, LabCorp).

NM_018941.4(CLN8):c.509C>T (p.Thr170Met)

Gene: CLN8 (CLN8 transmembrane ER and ERGIC protein; plus strand). Cytogenetic location: 8p23.3.
Variant type: single nucleotide variant.
Coding change: c.509C>T on transcript NM_018941.4 (MANE Select); coding-DNA position 509, C replaced by T.
Protein change: p.Thr170Met; replaces threonine 170 with methionine.
Molecular consequence: missense variant.
Genome position (GRCh38, 1-based): chr8:1,771,563, C>T. VCF-style: chr8-1771563-C-T. GRCh37 (hg19) VCF-style: chr8-1719729-C-T.
Other names: short protein forms T170M.
Identifiers: ClinVar variation 56712 (VCV000056712.6), dbSNP rs188259026, ClinGen allele CA264177.